The following is an entry in ClinVar:

ClinVar aggregate classification (germline): Uncertain significance. Review status: criteria provided, multiple submitters, no conflicts (2 of 4 stars). 2 submissions from 2 submitters: Uncertain significance (2). Last evaluated 2021-06-17.

Conditions:
Fanconi anemia (FA). Also called: Fanconi's anemia. Identifiers: Orphanet 84, MedGen C0015625, MeSH D005199, MONDO:0019391.

Submissions (2):

Genetic Services Laboratory, University of Chicago
Classification: Uncertain significance. Last evaluated: 2021-06-17. Review status: criteria provided, single submitter. Criteria: ACMG Guidelines, 2015. Collection method: clinical testing. Allele origin: germline. Affected: no.
Comment: This sequence change is absent from known population databases (gnomAD). The p.Ser1070Cys change affects a poorly conserved amino acid residue located in a domain of the SLX4 protein that is not known to be functional. The p.Ser1070Cys substitution appears to be tolerated using several in-silico pathogenicity prediction tools (SIFT, PolyPhen2, Align GVGD, REVEL). This sequence change does not appear to have been previously described in patients with SLX4-related disorders. Due to the lack of sufficient evidences, the clinical significance of the p.Ser1070Cys change remains unknown at this time.

Labcorp Genetics (formerly Invitae), Labcorp
Classification: Uncertain significance for Fanconi anemia. Last evaluated: 2021-03-12. Review status: criteria provided, single submitter. Criteria: Invitae Variant Classification Sherloc (09022015). Collection method: clinical testing. Allele origin: germline.
Comment: In summary, the available evidence is currently insufficient to determine the role of this variant in disease. Therefore, it has been classified as a Variant of Uncertain Significance. Algorithms developed to predict the effect of missense changes on protein structure and function output the following: SIFT: "Tolerated"; PolyPhen-2: "Probably Damaging"; Align-GVGD: "Class C0". The cysteine amino acid residue is found in multiple mammalian species, suggesting that this missense change does not adversely affect protein function. These predictions have not been confirmed by published functional studies and their clinical significance is uncertain. This variant has not been reported in the literature in individuals with SLX4-related conditions. This variant is not present in population databases (ExAC no frequency). This sequence change replaces serine with cysteine at codon 1070 of the SLX4 protein (p.Ser1070Cys). The serine residue is moderately conserved and there is a moderate physicochemical difference between serine and cysteine.

NM_032444.4(SLX4):c.3209C>G (p.Ser1070Cys)

Gene: SLX4 (SLX4 structure-specific endonuclease subunit; minus strand). Cytogenetic location: 16p13.3.
Variant type: single nucleotide variant.
Coding change: c.3209C>G on transcript NM_032444.4 (MANE Select); coding-DNA position 3209, C replaced by G.
Protein change: p.Ser1070Cys; replaces serine 1070 with cysteine.
Molecular consequence: missense variant.
Genome position (GRCh38, 1-based): chr16:3,590,429, G>C on the plus strand (C>G on the coding strand, the complement: SLX4 is on the minus strand). VCF-style: chr16-3590429-G-C. GRCh37 (hg19) VCF-style: chr16-3640430-G-C.
Other names: short protein forms S1070C.
Identifiers: ClinVar variation 1337989 (VCV001337989.11), dbSNP rs2040570774, ClinGen allele CA394521462.
Genomic context (GRCh38, chr16:3,590,429, plus strand): 5'-GTGAGGATGCTCCTGTCCCTTTTCTGCTTTGATGGCACAGCTGGAGACAGCAAGGTTGGG[G>C]AGCCCACCTGGGAAGTTCCGCCACGGGACCGGGGTGTTGACAGGGACGACCCACTTGTGT-3'
Protein context (NP_115820.2, residues 1060-1080): RSRGGTSQVG[Ser1070Cys]PTLLSPAVPS